The following is an entry in ClinVar:

NM_194248.3(OTOF):c.4334A>G (p.Glu1445Gly)

Gene: OTOF (otoferlin; minus strand). Cytogenetic location: 2p23.3.
Variant type: single nucleotide variant.
Coding change: c.4334A>G on transcript NM_194248.3 (MANE Select); coding-DNA position 4334, A replaced by G.
Protein change: p.Glu1445Gly; replaces glutamic acid 1445 with glycine.
Molecular consequence: missense variant.
Genome position (GRCh38, 1-based): chr2:26,467,127, T>C on the plus strand (A>G on the coding strand, the complement: OTOF is on the minus strand). VCF-style: chr2-26467127-T-C. GRCh37 (hg19) VCF-style: chr2-26689995-T-C.
Other names: c.4334A>G, p.Glu1445Gly (NM_001287489.2); c.2033A>G, p.Glu678Gly (NM_004802.4, NM_194323.3); c.2264A>G, p.Glu755Gly (NM_194322.3); short protein forms E1445G, E678G, E755G.
Identifiers: ClinVar variation 429951 (VCV000429951.2), dbSNP rs1131691695, ClinGen allele CA346136789.

ClinVar aggregate classification (germline): Uncertain significance (1 of 4 stars; one submission).

Submission:

GeneDx
Classification: Uncertain significance. Last evaluated: 2018-11-12. Review status: criteria provided, single submitter. Criteria: GeneDx Variant Classification (06012015). Collection method: clinical testing. Allele origin: germline. Affected: yes.
Comment: The E1445G variant in the OTOF gene has not been reported previously as a pathogenic variant, nor as a benign variant, to our knowledge. The E1445G variant is not observed in large population cohorts (Lek et al., 2016; 1000 Genomes Consortium et al., 2015; Exome Variant Server). The E1445G variant is a non-conservative amino acid substitution, which is likely to impact secondary protein structure as these residues differ in polarity, charge, size and/or other properties. This substitution occurs at a position where amino acids with similar properties to Glutamic acid are tolerated across species. In silico analysis predicts this variant is probably damaging to the protein structure/function. We interpret E1445G as a variant of uncertain significance.